The following is an entry in ClinVar:

ClinVar aggregate classification (germline): Uncertain significance (1 of 4 stars; one submission).

Conditions:
Charcot-Marie-Tooth disease, type I (CMT1). Also called: Charcot-Marie-Tooth, Type 1; Charcot-Marie-Tooth disease type 1. Identifiers: Orphanet 65753, MedGen C0751036, MONDO:0019011.

Allele frequency attached by ClinVar (database versions not stated): gnomAD exomes below 0.00001.
gnomAD v4.1: 1 of 1,613,936 alleles (0.000062%); highest among the groups gnomAD compares: Non-Finnish European, 0.000085%; no homozygotes.

Submission:

Labcorp Genetics (formerly Invitae), Labcorp
Classification: Uncertain significance for Charcot-Marie-Tooth disease, type I. Last evaluated: 2024-04-29. Review status: criteria provided, single submitter. Criteria: Invitae Variant Classification Sherloc (09022015). Collection method: clinical testing. Allele origin: germline.
Comment: This sequence change falls in intron 1 of the MPZ gene. It does not directly change the encoded amino acid sequence of the MPZ protein. This variant is not present in population databases (gnomAD no frequency). This variant has not been reported in the literature in individuals affected with MPZ-related conditions. Algorithms developed to predict the effect of sequence changes on RNA splicing suggest that this variant may disrupt the consensus splice site. In summary, the available evidence is currently insufficient to determine the role of this variant in disease. Therefore, it has been classified as a Variant of Uncertain Significance.

NM_000530.8(MPZ):c.68-11T>C

Gene: MPZ (myelin protein zero; minus strand). Cytogenetic location: 1q23.3.
Variant type: single nucleotide variant.
Coding change: c.68-11T>C on transcript NM_000530.8 (MANE Select); 11 bases into the intron before coding-DNA position 68, T replaced by C.
Molecular consequence: intron variant.
Genome position (GRCh38, 1-based): chr1:161,307,435, A>G on the plus strand (T>C on the coding strand, the complement: MPZ is on the minus strand). VCF-style: chr1-161307435-A-G. GRCh37 (hg19) VCF-style: chr1-161277225-A-G.
Other names: c.68-11T>C (NM_001315491.2).
Identifiers: ClinVar variation 2917867 (VCV002917867.3), dbSNP rs2526244269, ClinGen allele CA2574078267.